The following is an entry in ClinVar:

NM_032242.4(PLXNA1):c.3750C>T (p.Gly1250=)

Gene: PLXNA1 (plexin A1; plus strand). Cytogenetic location: 3q21.3.
Variant type: single nucleotide variant.
Coding change: c.3750C>T on transcript NM_032242.4 (MANE Select); coding-DNA position 3750, C replaced by T.
Protein change: p.Gly1250=; no amino-acid change (glycine 1250 retained).
Molecular consequence: synonymous variant.
Genome position (GRCh38, 1-based): chr3:127,018,383, C>T. VCF-style: chr3-127018383-C-T. GRCh37 (hg19) VCF-style: chr3-126737226-C-T.
Other names: c.3750C>T (NM_032242.3).
Identifiers: ClinVar variation 3709827 (VCV003709827.3).

ClinVar aggregate classification (germline): Likely benign. Review status: criteria provided, multiple submitters, no conflicts (2 of 4 stars). 2 submissions from 2 submitters: Likely benign (2). Last evaluated 2025-03-07.

Conditions:
PLXNA1-related disorder. Also called: PLXNA1-related condition.

gnomAD v4.1: 22 of 1,612,930 alleles (0.0014%); highest among the groups gnomAD compares: South Asian, 0.0022%; no homozygotes.

Submissions (2):

PreventionGenetics, part of Exact Sciences
Classification: Likely benign for PLXNA1-related condition. Last evaluated: 2025-03-07. Review status: criteria provided, single submitter. Criteria: ACMG Guidelines, 2015. Collection method: clinical testing. Allele origin: germline.
Comment: This variant is classified as likely benign based on ACMG/AMP sequence variant interpretation guidelines (Richards et al. 2015 PMID: 25741868, with internal and published modifications).

Labcorp Genetics (formerly Invitae), Labcorp
Classification: Likely benign. Last evaluated: 2024-07-20. Review status: criteria provided, single submitter. Criteria: Invitae Variant Classification Sherloc (09022015). Collection method: clinical testing. Allele origin: germline.